The following is an entry in ClinVar:

ClinVar aggregate classification (germline): Uncertain significance. Review status: criteria provided, multiple submitters, no conflicts (2 of 4 stars). 2 submissions from 2 submitters: Uncertain significance (2). Last evaluated 2026-09-02.

Conditions:
Hereditary cancer-predisposing syndrome. Also called: Tumor predisposition; Hereditary neoplastic syndrome; Neoplastic Syndromes, Hereditary; Hereditary Cancer Syndrome. Identifiers: Orphanet 140162, MedGen C0027672, MeSH D009386, MONDO:0015356.

gnomAD v4.1: 4 of 1,614,024 alleles (0.00025%); highest among the groups gnomAD compares: Non-Finnish European, 0.00034%; no homozygotes.

Submissions (2):

Ambry Genetics
Classification: Uncertain significance for Hereditary cancer-predisposing syndrome. Last evaluated: 2026-09-02. Review status: criteria provided, single submitter. Criteria: Ambry Variant Classification Scheme 2023. Collection method: clinical testing. Allele origin: germline.
Comment: The p.F1907L variant (also known as c.5721C>A), located in coding exon 42 of the POLE gene, results from a C to A substitution at nucleotide position 5721. The phenylalanine at codon 1907 is replaced by leucine, an amino acid with highly similar properties. This amino acid position is well conserved in available vertebrate species. In addition, the in silico prediction for this alteration is inconclusive. Based on the available evidence, the clinical significance of this variant remains unclear.

Labcorp Genetics (formerly Invitae), Labcorp
Classification: Uncertain significance. Last evaluated: 2023-06-11. Review status: criteria provided, single submitter. Criteria: Invitae Variant Classification Sherloc (09022015). Collection method: clinical testing. Allele origin: germline.
Comment: In summary, the available evidence is currently insufficient to determine the role of this variant in disease. Therefore, it has been classified as a Variant of Uncertain Significance. Advanced modeling of protein sequence and biophysical properties (such as structural, functional, and spatial information, amino acid conservation, physicochemical variation, residue mobility, and thermodynamic stability) performed at Invitae indicates that this missense variant is not expected to disrupt POLE protein function. ClinVar contains an entry for this variant (Variation ID: 843267). This variant has not been reported in the literature in individuals affected with POLE-related conditions. This variant is not present in population databases (gnomAD no frequency). This sequence change replaces phenylalanine, which is neutral and non-polar, with leucine, which is neutral and non-polar, at codon 1907 of the POLE protein (p.Phe1907Leu).

NM_006231.4(POLE):c.5721C>A (p.Phe1907Leu)

Gene: POLE (DNA polymerase epsilon, catalytic subunit; minus strand). Cytogenetic location: 12q24.33.
Variant type: single nucleotide variant.
Coding change: c.5721C>A on transcript NM_006231.4 (MANE Select); coding-DNA position 5721, C replaced by A.
Protein change: p.Phe1907Leu; replaces phenylalanine 1907 with leucine.
Molecular consequence: missense variant.
Genome position (GRCh38, 1-based): chr12:132,635,982, G>T on the plus strand (C>A on the coding strand, the complement: POLE is on the minus strand). VCF-style: chr12-132635982-G-T. GRCh37 (hg19) VCF-style: chr12-133212568-G-T.
Other names: c.5721C>A (NM_006231.2); short protein forms F1907L.
Identifiers: ClinVar variation 843267 (VCV000843267.11), dbSNP rs752363769, ClinGen allele CA387373154.
Genomic context (GRCh38, chr12:132,635,982, plus strand): 5'-TCCTTTGATTCCGCCATAGTTAGATGGATCCATCCAGAGAAGAAATTCCCAGCATCGAGA[G>T]AAAGAAATTGTCAGAGAATGGAAGGTCTCCTTTGAATGGATGCTGCAGAGGAAGCATTGA-3'
Protein context (NP_006222.2, residues 1897-1917): KETFHSLTIS[Phe1907Leu]SRCWEFLLWM